The following is an entry in ClinVar:

NM_003000.3(SDHB):c.411G>C (p.Lys137Asn)

Gene: SDHB (succinate dehydrogenase complex iron sulfur subunit B; minus strand). Cytogenetic location: 1p36.13.
Variant type: single nucleotide variant.
Coding change: c.411G>C on transcript NM_003000.3 (MANE Select); coding-DNA position 411, G replaced by C.
Protein change: p.Lys137Asn; replaces lysine 137 with asparagine.
Molecular consequence: missense variant. On other transcripts: intron variant (1).
Genome position (GRCh38, 1-based): chr1:17,028,612, C>G on the plus strand (G>C on the coding strand, the complement: SDHB is on the minus strand). VCF-style: chr1-17028612-C-G. GRCh37 (hg19) VCF-style: chr1-17355107-C-G.
Other names: c.369+42G>C (NM_001407361.1); short protein forms K137N.
Identifiers: ClinVar variation 2948181 (VCV002948181.3), dbSNP rs2078004300, ClinGen allele CA338273993.

ClinVar aggregate classification (germline): Uncertain significance (1 of 4 stars; one submission).

Conditions:
Pheochromocytoma. Also called: MAX-Related Hereditary Paraganglioma-Pheochromocytoma Syndrome. Identifiers: Orphanet 29072, MedGen C0031511, MONDO:0008233, OMIM 171300, HP:0002666.
Gastrointestinal stromal tumor. Also called: Gastrointestinal stromal tumor, somatic; Gastrointestinal stroma tumor. Identifiers: Orphanet 44890, MedGen C0238198, MeSH D046152, MONDO:0011719, OMIM 606764, HP:0100723.
Pheochromocytoma/paraganglioma syndrome 4. Also called: CAROTID BODY TUMORS AND MULTIPLE EXTRAADRENAL PHEOCHROMOCYTOMAS; PARAGANGLIOMA, FAMILIAL MALIGNANT; PARAGANGLIOMAS, HEREDITARY EXTRAADRENAL; PHEOCHROMOCYTOMA, FAMILIAL EXTRAADRENAL; Paragangliomas 4; SDHB-Related Hereditary Paraganglioma-Pheochromocytoma Syndrome (Paragangliomas 4). Identifiers: Orphanet 29072, MedGen C1861848, MONDO:0007273, OMIM 115310.

Allele frequency attached by ClinVar (database versions not stated): TOPMed below 0.00001.

Submission:

Labcorp Genetics (formerly Invitae), Labcorp
Classification: Uncertain significance for Gastrointestinal stromal tumor; Pheochromocytoma/paraganglioma syndrome 4; Pheochromocytoma. Last evaluated: 2023-05-24. Review status: criteria provided, single submitter. Criteria: Invitae Variant Classification Sherloc (09022015). Collection method: clinical testing. Allele origin: germline.
Comment: Advanced modeling of protein sequence and biophysical properties (such as structural, functional, and spatial information, amino acid conservation, physicochemical variation, residue mobility, and thermodynamic stability) performed at Invitae indicates that this missense variant is expected to disrupt SDHB protein function. In summary, the available evidence is currently insufficient to determine the role of this variant in disease. Therefore, it has been classified as a Variant of Uncertain Significance. This variant has not been reported in the literature in individuals affected with SDHB-related conditions. This variant is not present in population databases (gnomAD no frequency). This sequence change replaces lysine, which is basic and polar, with asparagine, which is neutral and polar, at codon 137 of the SDHB protein (p.Lys137Asn).